The following is an entry in ClinVar:

NM_031935.3(HMCN1):c.6812C>T (p.Ala2271Val)

Gene: HMCN1 (hemicentin 1; plus strand). Cytogenetic location: 1q31.1.
Variant type: single nucleotide variant.
Coding change: c.6812C>T on transcript NM_031935.3 (MANE Select); coding-DNA position 6812, C replaced by T.
Protein change: p.Ala2271Val; replaces alanine 2271 with valine.
Molecular consequence: missense variant.
Genome position (GRCh38, 1-based): chr1:186,053,936, C>T. VCF-style: chr1-186053936-C-T. GRCh37 (hg19) VCF-style: chr1-186023068-C-T.
Other names: short protein forms A2271V.
Identifiers: ClinVar variation 1916794 (VCV001916794.5), dbSNP rs747638841, ClinGen allele CA1292668.

ClinVar aggregate classification (germline): Uncertain significance (1 of 4 stars; one submission).

Allele frequency attached by ClinVar (database versions not stated): gnomAD exomes below 0.00001; TOPMed below 0.00001; ExAC 0.00001; gnomAD 0.00001.
gnomAD v4.1: 7 of 1,612,462 alleles (0.00043%); highest among the groups gnomAD compares: African/African-American, 0.0013%; no homozygotes.

Submission:

Labcorp Genetics (formerly Invitae), Labcorp
Classification: Uncertain significance. Last evaluated: 2022-08-05. Review status: criteria provided, single submitter. Criteria: Invitae Variant Classification Sherloc (09022015). Collection method: clinical testing. Allele origin: germline.
Comment: This sequence change replaces alanine, which is neutral and non-polar, with valine, which is neutral and non-polar, at codon 2271 of the HMCN1 protein (p.Ala2271Val). This variant is present in population databases (rs747638841, gnomAD 0.007%). This variant has not been reported in the literature in individuals affected with HMCN1-related conditions. Algorithms developed to predict the effect of missense changes on protein structure and function (SIFT, PolyPhen-2, Align-GVGD) all suggest that this variant is likely to be disruptive. In summary, the available evidence is currently insufficient to determine the role of this variant in disease. Therefore, it has been classified as a Variant of Uncertain Significance.